The following is an entry in ClinVar:

NM_000088.4(COL1A1):c.1612A>T (p.Lys538Ter)

Gene: COL1A1 (collagen type I alpha 1 chain; minus strand). Cytogenetic location: 17q21.33.
Variant type: single nucleotide variant.
Coding change: c.1612A>T on transcript NM_000088.4 (MANE Select); coding-DNA position 1612, A replaced by T.
Protein change: p.Lys538Ter; replaces lysine 538 with a stop codon.
Molecular consequence: nonsense.
Genome position (GRCh38, 1-based): chr17:50,194,351, T>A on the plus strand (A>T on the coding strand, the complement: COL1A1 is on the minus strand). VCF-style: chr17-50194351-T-A. GRCh37 (hg19) VCF-style: chr17-48271712-T-A.
Other names: short protein forms K538*.
Identifiers: ClinVar variation 4280690 (VCV004280690.1).

ClinVar aggregate classification (germline): Pathogenic (1 of 4 stars; one submission).

Conditions:
Osteogenesis imperfecta type I (OI1). Also called: OI, TYPE I; OSTEOGENESIS IMPERFECTA TARDA; OSTEOGENESIS IMPERFECTA WITH BLUE SCLERAE; Osteogenesis imperfecta type 1; Lobstein's Disease; Lobstein disease. Identifiers: Orphanet 216796, Orphanet 666, MedGen C0023931, MONDO:0008146, OMIM 166200. Disease mechanism: loss of function.

Submission:

Laboratory of Genetic Skeletal Anomaly, Seoul National University Children's Hospital
Classification: Pathogenic for Osteogenesis imperfecta type I. Last evaluated: 2025-03-01. Review status: criteria provided, single submitter. Criteria: ACMG Guidelines, 2015. Collection method: research. Allele origin: germline. Affected: yes.
Comment: This variant is a novel variant not previously reported in the literature or population databases. It was classified based on available in silico predictions and absence from gnomAD.